The following is an entry in ClinVar:

NM_004655.4(AXIN2):c.117G>T (p.Gly39=)

Gene: AXIN2 (axin 2; minus strand). Cytogenetic location: 17q24.1.
Variant type: single nucleotide variant.
Coding change: c.117G>T on transcript NM_004655.4 (MANE Select); coding-DNA position 117, G replaced by T.
Protein change: p.Gly39=; no amino-acid change (glycine 39 retained).
Molecular consequence: synonymous variant.
Genome position (GRCh38, 1-based): chr17:65,558,504, C>A on the plus strand (G>T on the coding strand, the complement: AXIN2 is on the minus strand). VCF-style: chr17-65558504-C-A. GRCh37 (hg19) VCF-style: chr17-63554622-C-A.
Other names: c.117G>T, p.Gly39= (NM_001363813.1); c.117G>T (NM_004655.3).
Identifiers: ClinVar variation 1491482 (VCV001491482.12), dbSNP rs2044310171, ClinGen allele CA501691581.

ClinVar aggregate classification (germline): Conflicting classifications of pathogenicity. Review status: criteria provided, conflicting classifications (1 of 4 stars). 4 submissions from 4 submitters: Uncertain significance (1); Benign (1); Likely benign (2). Last evaluated 2025-08-30.

Conditions:
Hereditary cancer-predisposing syndrome. Also called: Tumor predisposition; Hereditary neoplastic syndrome; Neoplastic Syndromes, Hereditary; Hereditary Cancer Syndrome. Identifiers: Orphanet 140162, MedGen C0027672, MeSH D009386, MONDO:0015356.
Oligodontia-cancer predisposition syndrome. Also called: TOOTH AGENESIS-COLORECTAL CANCER SYNDROME. Identifiers: Orphanet 300576, MedGen C1837750, MONDO:0012075, OMIM 608615. Disease mechanism: loss of function.

gnomAD v4.1: 1 of 1,613,164 alleles (0.000062%); highest among the groups gnomAD compares: South Asian, 0.0011%; no homozygotes.

Submissions (4):

Ambry Genetics
Classification: Likely benign for Hereditary cancer-predisposing syndrome. Last evaluated: 2025-08-30. Review status: criteria provided, single submitter. Criteria: Ambry Variant Classification Scheme 2023. Collection method: clinical testing. Allele origin: germline.

Quest Diagnostics Nichols Institute San Juan Capistrano
Classification: Uncertain significance. Last evaluated: 2025-04-03. Review status: criteria provided, single submitter. Criteria: Quest Diagnostics criteria. Collection method: clinical testing. Allele origin: unknown.
Comment: The AXIN2 c.117G>T (p.Gly39=) synonymous variant has not been reported in individuals with AXIN2-related conditions in the published literature. It also has not been reported in large, multi-ethnic general populations (Genome Aggregation Database). Analysis of this variant using software algorithms for the prediction of the effect of nucleotide changes on AXIN2 mRNA splicing yielded predictions that this variant may result in the gain of a cryptic splice site without affecting the natural splice sites. Based on the available information, we are unable to determine the clinical significance of this variant.

Myriad Genetics, Inc.
Classification: Benign for Oligodontia-cancer predisposition syndrome. Last evaluated: 2024-06-25. Review status: criteria provided, single submitter. Criteria: Myriad Autosomal Dominant, Autosomal Recessive and X-Linked Classification Criteria (2023). Collection method: clinical testing. Allele origin: unknown.
Comment: This variant is considered benign. This variant is a silent/synonymous amino acid change and it is not expected to impact splicing.

Labcorp Genetics (formerly Invitae), Labcorp
Classification: Likely benign for Oligodontia-cancer predisposition syndrome. Last evaluated: 2023-11-05. Review status: criteria provided, single submitter. Criteria: Invitae Variant Classification Sherloc (09022015). Collection method: clinical testing. Allele origin: germline.